The following is an entry in ClinVar:

ClinVar aggregate classification (germline): Uncertain significance (1 of 4 stars; one submission).

Submission:

Labcorp Genetics (formerly Invitae), Labcorp
Classification: Uncertain significance. Last evaluated: 2020-12-10. Review status: criteria provided, single submitter. Criteria: Invitae Variant Classification Sherloc (09022015). Collection method: clinical testing. Allele origin: germline.
Comment: This sequence change falls in intron 4 of the RUSC2 gene. It does not directly change the encoded amino acid sequence of the RUSC2 protein. It affects a nucleotide within the consensus splice site of the intron. In summary, the available evidence is currently insufficient to determine the role of this variant in disease. Therefore, it has been classified as a Variant of Uncertain Significance. Nucleotide substitutions within the consensus splice site are a relatively common cause of aberrant splicing (PMID: 17576681, 9536098). Algorithms developed to predict the effect of sequence changes on RNA splicing suggest that this variant may disrupt the consensus splice site, but this prediction has not been confirmed by published transcriptional studies. This variant has not been reported in the literature in individuals with RUSC2-related conditions. This variant is not present in population databases (ExAC no frequency).

Literature cited by the submitters: PubMed 17576681; PubMed 9536098.

NM_014806.5(RUSC2):c.2843-3C>G

Gene: RUSC2 (RUN and SH3 domain containing 2; plus strand). Cytogenetic location: 9p13.3.
Variant type: single nucleotide variant.
Coding change: c.2843-3C>G on transcript NM_014806.5 (MANE Select); 3 bases into the intron before coding-DNA position 2843, C replaced by G.
Molecular consequence: intron variant.
Genome position (GRCh38, 1-based): chr9:35,556,305, C>G. VCF-style: chr9-35556305-C-G. GRCh37 (hg19) VCF-style: chr9-35556302-C-G.
Other names: c.209-3C>G (NM_001330740.2); c.2843-3C>G (NM_001135999.2).
Identifiers: ClinVar variation 1396591 (VCV001396591.6), dbSNP rs2131697706, ClinGen allele CA2573144532.